The following is an entry in ClinVar:

NM_007294.4(BRCA1):c.1760T>C (p.Ile587Thr)

Gene: BRCA1 (BRCA1 DNA repair associated; minus strand). Cytogenetic location: 17q21.31.
Variant type: single nucleotide variant.
Coding change: c.1760T>C on transcript NM_007294.4 (MANE Select); coding-DNA position 1760, T replaced by C.
Protein change: p.Ile587Thr; replaces isoleucine 587 with threonine.
Molecular consequence: missense variant. On other transcripts: intron variant (137).
Genome position (GRCh38, 1-based): chr17:43,093,771, A>G on the plus strand (T>C on the coding strand, the complement: BRCA1 is on the minus strand). VCF-style: chr17-43093771-A-G. GRCh37 (hg19) VCF-style: chr17-41245788-A-G.
Other names: c.1547T>C, p.Ile516Thr (NM_001407571.1, NM_001407853.1, NM_001407894.1 and 9 more transcripts); c.1760T>C, p.Ile587Thr (NM_001407581.1, NM_001407582.1, NM_001407583.1 and 30 more transcripts); c.1757T>C, p.Ile586Thr (NM_001407587.1, NM_001407590.1, NM_001407591.1 and 22 more transcripts); c.1751T>C, p.Ile584Thr (NM_001407646.1, NM_001407647.1); c.1637T>C, p.Ile546Thr (NM_001407648.1, NM_001407664.1, NM_001407665.1 and 19 more transcripts); c.1634T>C, p.Ile545Thr (NM_001407649.1, NM_001407670.1, NM_001407671.1 and 11 more transcripts); c.1682T>C, p.Ile561Thr (NM_001407653.1, NM_001407654.1, NM_001407655.1 and 4 more transcripts); c.1679T>C, p.Ile560Thr (NM_001407659.1, NM_001407660.1, NM_001407661.1 and 1 more transcripts); and 40 more; short protein forms I540T, I587T, I419T, I460T, I476T, I519T, I586T, I459T.
Identifiers: ClinVar variation 648181 (VCV000648181.12), dbSNP rs1597874348, ClinGen allele CA10598508.

ClinVar aggregate classification (germline): Conflicting classifications of pathogenicity. Review status: criteria provided, conflicting classifications (1 of 4 stars). 2 submissions from 2 submitters: Uncertain significance (1); Likely benign (1). Last evaluated 2023-03-23.

Conditions:
Hereditary cancer-predisposing syndrome. Also called: Neoplastic Syndromes, Hereditary; Tumor predisposition; Hereditary Cancer Syndrome; Hereditary neoplastic syndrome. Identifiers: Orphanet 140162, MedGen C0027672, MeSH D009386, MONDO:0015356.
Hereditary breast ovarian cancer syndrome. Also called: Breast and ovarian cancer; BRCA1- and BRCA2-Associated Hereditary Breast and Ovarian Cancer; Hereditary breast and ovarian cancer; Hereditary breast and ovarian cancer syndrome (HBOC); Hereditary breast and/or ovarian cancer syndrome; Hereditary breast and ovarian cancer syndrome. Identifiers: Orphanet 145, MedGen C0677776, MeSH D061325, MONDO:0003582. Disease mechanism: loss of function.

Submissions (2):

University of Washington Department of Laboratory Medicine, University of Washington
Classification: Likely benign for Hereditary cancer-predisposing syndrome. Last evaluated: 2023-03-23. Review status: criteria provided, single submitter. Criteria: Dines et al. (Genet Med. 2020). Collection method: curation. Allele origin: germline.
Comment: Missense variant in a coldspot region where missense variants are very unlikely to be pathogenic (PMID:31911673).

BRCA1 coldspot (exon 11 using historical exon numbering). Reclassification based on statistical prior probability

Labcorp Genetics (formerly Invitae), Labcorp
Classification: Uncertain significance for Hereditary breast ovarian cancer syndrome. Last evaluated: 2018-07-10. Review status: criteria provided, single submitter. Criteria: Invitae Variant Classification Sherloc (09022015). Collection method: clinical testing. Allele origin: germline.
Comment: This sequence change replaces isoleucine with threonine at codon 587 of the BRCA1 protein (p.Ile587Thr). The isoleucine residue is moderately conserved and there is a moderate physicochemical difference between isoleucine and threonine. This variant is not present in population databases (ExAC no frequency). In summary, the available evidence is currently insufficient to determine the role of this variant in disease. Therefore, it has been classified as a Variant of Uncertain Significance. Algorithms developed to predict the effect of missense changes on protein structure and function are either unavailable or do not agree on the potential impact of this missense change (SIFT: "Tolerated"; PolyPhen-2: "Probably Damaging"; Align-GVGD: "Class C0"). This variant has not been reported in the literature in individuals with BRCA1-related disease.